The following is an entry in ClinVar:

NM_005219.5(DIAPH1):c.769A>G (p.Ile257Val)

Gene: DIAPH1 (diaphanous related formin 1; minus strand). Cytogenetic location: 5q31.3.
Variant type: single nucleotide variant.
Coding change: c.769A>G on transcript NM_005219.5 (MANE Select); coding-DNA position 769, A replaced by G.
Protein change: p.Ile257Val; replaces isoleucine 257 with valine.
Molecular consequence: missense variant.
Genome position (GRCh38, 1-based): chr5:141,580,799, T>C on the plus strand (A>G on the coding strand, the complement: DIAPH1 is on the minus strand). VCF-style: chr5-141580799-T-C. GRCh37 (hg19) VCF-style: chr5-140960366-T-C.
Other names: c.742A>G, p.Ile248Val (NM_001079812.3); c.769A>G, p.Ile257Val (NM_001314007.2); short protein forms I248V, I257V.
Identifiers: ClinVar variation 3757249 (VCV003757249.2).

ClinVar aggregate classification (germline): Uncertain significance (1 of 4 stars; one submission).

Conditions:
Autosomal dominant nonsyndromic hearing loss 1. Also called: KONIGSMARK SYNDROME; DEAFNESS, AUTOSOMAL DOMINANT 1, WITH OR WITHOUT THROMBOCYTOPENIA. Identifiers: Orphanet 90635, MedGen C1852282, MONDO:0007424, OMIM 124900.
Progressive microcephaly-seizures-cortical blindness-developmental delay syndrome. Also called: Seizures, cortical blindness, and microcephaly syndrome. Identifiers: Orphanet 477814, MedGen C5567650, MONDO:0014714, OMIM 616632.

Submission:

Labcorp Genetics (formerly Invitae), Labcorp
Classification: Uncertain significance for Progressive microcephaly-seizures-cortical blindness-developmental delay syndrome; Autosomal dominant nonsyndromic hearing loss 1. Last evaluated: 2024-07-15. Review status: criteria provided, single submitter. Criteria: Invitae Variant Classification Sherloc (09022015). Collection method: clinical testing. Allele origin: germline.
Comment: This sequence change replaces isoleucine, which is neutral and non-polar, with valine, which is neutral and non-polar, at codon 257 of the DIAPH1 protein (p.Ile257Val). This variant is not present in population databases (gnomAD no frequency). This variant has not been reported in the literature in individuals affected with DIAPH1-related conditions. Experimental studies and prediction algorithms are not available or were not evaluated, and the functional significance of this variant is currently unknown. In summary, the available evidence is currently insufficient to determine the role of this variant in disease. Therefore, it has been classified as a Variant of Uncertain Significance.